The following is an entry in ClinVar:

ClinVar aggregate classification (germline): Likely benign. Review status: criteria provided, multiple submitters, no conflicts (2 of 4 stars). 2 submissions from 2 submitters: Likely benign (2). Last evaluated 2026-08-01.

Conditions:
Inborn genetic diseases. Identifiers: MedGen C0950123, MeSH D030342.

Allele frequency attached by ClinVar (database versions not stated): TOPMed 0.00002; ExAC 0.00018.
gnomAD v4.1: 89 of 1,614,038 alleles (0.0055%); highest among the groups gnomAD compares: South Asian, 0.069%; no homozygotes.

Submissions (2):

CeGaT Center for Human Genetics Tuebingen
Classification: Likely benign. Last evaluated: 2026-08-01. Review status: criteria provided, single submitter. Criteria: CeGaT Center For Human Genetics Tuebingen Variant Classification Criteria Version 2. Collection method: clinical testing. Allele origin: germline. Affected: yes. Observed: 1 variant allele.
Comment: MAP1B: BP4, BS2

Ambry Genetics
Classification: Likely benign for Inborn genetic diseases. Last evaluated: 2022-04-28. Review status: criteria provided, single submitter. Criteria: Ambry Variant Classification Scheme 2023. Collection method: clinical testing. Allele origin: germline.

NM_005909.5(MAP1B):c.5411C>A (p.Thr1804Asn)

Gene: MAP1B (microtubule associated protein 1B; plus strand). Cytogenetic location: 5q13.2.
Variant type: single nucleotide variant.
Coding change: c.5411C>A on transcript NM_005909.5 (MANE Select); coding-DNA position 5411, C replaced by A.
Protein change: p.Thr1804Asn; replaces threonine 1804 with asparagine.
Molecular consequence: missense variant.
Genome position (GRCh38, 1-based): chr5:72,198,766, C>A. VCF-style: chr5-72198766-C-A. GRCh37 (hg19) VCF-style: chr5-71494593-C-A.
Other names: c.5033C>A, p.Thr1678Asn (NM_001324255.2); short protein forms T1678N, T1804N.
Identifiers: ClinVar variation 2354847 (VCV002354847.3), dbSNP rs767578125, ClinGen allele CA3299319.